The following is an entry in ClinVar:

NM_144599.5(NIPA1):c.499A>G (p.Ile167Val)

Gene: NIPA1 (NIPA magnesium transporter 1; plus strand). Cytogenetic location: 15q11.2.
Variant type: single nucleotide variant.
Coding change: c.499A>G on transcript NM_144599.5 (MANE Select); coding-DNA position 499, A replaced by G.
Protein change: p.Ile167Val; replaces isoleucine 167 with valine.
Molecular consequence: missense variant.
Genome position (GRCh38, 1-based): chr15:22,823,748, A>G. VCF-style: chr15-22823748-A-G. GRCh37 (hg19) VCF-style: chr15-23049320-T-C.
Other names: c.274A>G, p.Ile92Val (NM_001142275.1); short protein forms I167V, I92V.
Identifiers: ClinVar variation 4697517 (VCV004697517.1).

ClinVar aggregate classification (germline): Uncertain significance (1 of 4 stars; one submission).

Conditions:
Hereditary spastic paraplegia 6 (SPG6). Also called: SPASTIC PARAPLEGIA 6, AUTOSOMAL DOMINANT. Identifiers: Orphanet 100988, MedGen C1838192, MONDO:0010878, OMIM 600363.

gnomAD v4.1: 3 of 1,610,360 alleles (0.00019%); highest among the groups gnomAD compares: Non-Finnish European, 0.00025%; no homozygotes.

Submission:

Labcorp Genetics (formerly Invitae), Labcorp
Classification: Uncertain significance for Hereditary spastic paraplegia 6. Last evaluated: 2025-03-09. Review status: criteria provided, single submitter. Criteria: Invitae Variant Classification Sherloc (09022015). Collection method: clinical testing. Allele origin: germline.
Comment: This sequence change replaces isoleucine, which is neutral and non-polar, with valine, which is neutral and non-polar, at codon 167 of the NIPA1 protein (p.Ile167Val). This variant is not present in population databases (gnomAD no frequency). This variant has not been reported in the literature in individuals affected with NIPA1-related conditions. Invitae Evidence Modeling of protein sequence and biophysical properties (such as structural, functional, and spatial information, amino acid conservation, physicochemical variation, residue mobility, and thermodynamic stability) indicates that this missense variant is not expected to disrupt NIPA1 protein function with a negative predictive value of 80%. In summary, the available evidence is currently insufficient to determine the role of this variant in disease. Therefore, it has been classified as a Variant of Uncertain Significance.